The following is an entry in ClinVar:

NM_020778.5(ALPK3):c.976G>A (p.Gly326Ser)

Gene: ALPK3 (alpha kinase 3; plus strand). Cytogenetic location: 15q25.3.
Variant type: single nucleotide variant.
Coding change: c.976G>A on transcript NM_020778.5 (MANE Select); coding-DNA position 976, G replaced by A.
Protein change: p.Gly326Ser; replaces glycine 326 with serine.
Molecular consequence: missense variant.
Genome position (GRCh38, 1-based): chr15:84,840,255, G>A. VCF-style: chr15-84840255-G-A. GRCh37 (hg19) VCF-style: chr15-85383486-G-A.
Other names: short protein forms G326S.
Identifiers: ClinVar variation 1917373 (VCV001917373.5), dbSNP rs1422827706, ClinGen allele CA393373961.

ClinVar aggregate classification (germline): Uncertain significance (1 of 4 stars; one submission).

Allele frequency attached by ClinVar (database versions not stated): gnomAD exomes below 0.00001; TOPMed 0.00001; gnomAD 0.00002.
gnomAD v4.1: 4 of 1,613,726 alleles (0.00025%); highest among the groups gnomAD compares: African/African-American, 0.0027%; no homozygotes.

Submission:

Labcorp Genetics (formerly Invitae), Labcorp
Classification: Uncertain significance. Last evaluated: 2025-08-29. Review status: criteria provided, single submitter. Criteria: Invitae Variant Classification Sherloc (09022015). Collection method: clinical testing. Allele origin: germline.
Comment: This sequence change replaces glycine, which is neutral and non-polar, with serine, which is neutral and polar, at codon 528 of the ALPK3 protein (p.Gly528Ser). This variant is present in population databases (no rsID available, gnomAD 0.01%). This variant has not been reported in the literature in individuals affected with ALPK3-related conditions. ClinVar contains an entry for this variant (Variation ID: 1917373). Invitae Evidence Modeling of protein sequence and biophysical properties (such as structural, functional, and spatial information, amino acid conservation, physicochemical variation, residue mobility, and thermodynamic stability) indicates that this missense variant is not expected to disrupt ALPK3 protein function with a negative predictive value of 80%. In summary, the available evidence is currently insufficient to determine the role of this variant in disease. Therefore, it has been classified as a Variant of Uncertain Significance.